The following is an entry in ClinVar:

NM_018191.4(RCBTB1):c.*4G>A

Gene: RCBTB1 (RCC1 and BTB domain containing protein 1; minus strand). Cytogenetic location: 13q14.2.
Variant type: single nucleotide variant.
Coding change: c.*4G>A on transcript NM_018191.4 (MANE Select); 4 bases downstream of the stop codon, G replaced by A.
Molecular consequence: 3 prime UTR variant. On other transcripts: non-coding transcript variant (2).
Genome position (GRCh38, 1-based): chr13:49,534,118, C>T on the plus strand (G>A on the coding strand, the complement: RCBTB1 is on the minus strand). VCF-style: chr13-49534118-C-T. GRCh37 (hg19) VCF-style: chr13-50108254-C-T.
Other names: c.*4G>A (NM_001352500.2, NM_001352501.2, NM_001352502.2 and 2 more transcripts).
Identifiers: ClinVar variation 3052661 (VCV003052661.3), dbSNP rs200902196, ClinGen allele CA6982522.

ClinVar aggregate classification (germline): Likely benign. Review status: criteria provided, single submitter (1 of 4 stars). 2 submissions from 2 submitters: Likely benign (1). 1 of the submissions does not count toward it. Last evaluated 2024-08-06.

Conditions:
RCBTB1-related disorder. Also called: RCBTB1-related condition.

Allele frequency attached by ClinVar (database versions not stated): ExAC 0.00065; gnomAD 0.00182; 1000 Genomes Project 0.00200; 1000 Genomes Project 30x 0.00203; ESP Exome Variant Server 0.00246.
gnomAD v4.1: 586 of 1,613,156 alleles (0.036%); highest among the groups gnomAD compares: African/African-American, 0.68%; 3 homozygotes.

Submissions (2):

Blueprint Genetics
Classification: Likely benign. Last evaluated: 2024-08-06. Review status: criteria provided, single submitter. Criteria: ACMG Guidelines, 2015. Collection method: clinical testing. Allele origin: germline.

PreventionGenetics, part of Exact Sciences
Classification: Benign for RCBTB1-related condition. Last evaluated: 2019-09-13. Review status: no assertion criteria provided. Collection method: clinical testing. Allele origin: germline. Not counted in ClinVar's aggregate classification.
Comment: This variant is classified as benign based on ACMG/AMP sequence variant interpretation guidelines (Richards et al. 2015 PMID: 25741868, with internal and published modifications).